The following is an entry in ClinVar:

ClinVar aggregate classification (germline): Likely benign. Review status: criteria provided, multiple submitters, no conflicts (2 of 4 stars). 3 submissions from 3 submitters: Likely benign (3). Last evaluated 2025-12-21.

Conditions:
LSR-related condition.

Allele frequency attached by ClinVar (database versions not stated): 1000 Genomes Project 30x 0.00141; 1000 Genomes Project 0.00160; ESP Exome Variant Server 0.00223; TOPMed 0.00230; gnomAD 0.00238; ExAC 0.00298.
gnomAD v4.1: 4,619 of 1,603,962 alleles (0.29%); highest among the groups gnomAD compares: Middle Eastern, 0.43%; 18 homozygotes.

Submissions (3):

Labcorp Genetics (formerly Invitae), Labcorp
Classification: Likely benign. Last evaluated: 2025-12-21. Review status: criteria provided, single submitter. Criteria: Invitae Variant Classification Sherloc (09022015). Collection method: clinical testing. Allele origin: germline.

PreventionGenetics, part of Exact Sciences
Classification: Likely benign for LSR-related condition. Last evaluated: 2025-11-25. Review status: criteria provided, single submitter. Criteria: ACMG Guidelines, 2015. Collection method: clinical testing. Allele origin: germline.
Comment: This variant is classified as likely benign based on ACMG/AMP sequence variant interpretation guidelines (Richards et al. 2015 PMID: 25741868, with internal and published modifications).

CeGaT Center for Human Genetics Tuebingen
Classification: Likely benign. Last evaluated: 2022-05-01. Review status: criteria provided, single submitter. Criteria: CeGaT Center For Human Genetics Tuebingen Variant Classification Criteria Version 2. Collection method: clinical testing. Allele origin: germline. Affected: yes. Observed: 1 variant allele.
Comment: LSR: BS2

NM_205834.4(LSR):c.1753G>A (p.Glu585Lys)

Gene: LSR (lipolysis stimulated lipoprotein receptor; plus strand). Cytogenetic location: 19q13.12.
Variant type: single nucleotide variant.
Coding change: c.1753G>A on transcript NM_205834.4 (MANE Select); coding-DNA position 1753, G replaced by A.
Protein change: p.Glu585Lys; replaces glutamic acid 585 with lysine.
Molecular consequence: missense variant.
Genome position (GRCh38, 1-based): chr19:35,267,717, G>A. VCF-style: chr19-35267717-G-A. GRCh37 (hg19) VCF-style: chr19-35758620-G-A.
Other names: c.1696G>A, p.Glu566Lys (NM_015925.7); c.1549G>A, p.Glu517Lys (NM_205835.4); c.1693G>A, p.Glu565Lys (NM_001260489.2); c.1429G>A, p.Glu477Lys (NM_001260490.2); c.1546G>A, p.Glu516Lys (NM_001385215.1); c.1897G>A (NM_205834.3); short protein forms E517K, E565K, E585K, E566K, E477K, E516K.
Identifiers: ClinVar variation 2046590 (VCV002046590.29), dbSNP rs139004765, ClinGen allele CA9375192.